The following is an entry in ClinVar:

ClinVar aggregate classification (germline): Uncertain significance (1 of 4 stars; one submission).

Submission:

GeneDx
Classification: Uncertain significance. Last evaluated: 2022-06-29. Review status: criteria provided, single submitter. Criteria: GeneDx Variant Classification Process June 2021. Collection method: clinical testing. Allele origin: germline. Affected: yes.
Comment: Not observed at significant frequency in large population cohorts (gnomAD); In silico analysis supports that this missense variant does not alter protein structure/function; Has not been previously published as pathogenic or benign to our knowledge

NM_001292034.3(TAB2):c.1282A>G (p.Met428Val)

Genes: TAB2 (TGF-beta activated kinase 1 (MAP3K7) binding protein 2; plus strand), LOC126859827 (BRD4-independent group 4 enhancer GRCh37_chr6:149699707-149700906; plus strand). Cytogenetic location: 6q25.1.
Variant type: single nucleotide variant.
Coding change: c.1282A>G on transcript NM_001292034.3 (MANE Select); coding-DNA position 1282, A replaced by G.
Protein change: p.Met428Val; replaces methionine 428 with valine.
Molecular consequence: missense variant.
Genome position (GRCh38, 1-based): chr6:149,379,197, A>G. VCF-style: chr6-149379197-A-G. GRCh37 (hg19) VCF-style: chr6-149700333-A-G.
Other names: c.1186A>G, p.Met396Val (NM_001292035.3); c.1282A>G, p.Met428Val (NM_001369506.1, NM_015093.6); short protein forms M396V, M428V.
Identifiers: ClinVar variation 1810103 (VCV001810103.1), dbSNP rs2483395667, ClinGen allele CA365998489.